The following is an entry in ClinVar:

NM_006767.4(LZTR1):c.676C>A (p.Pro226Thr)

Gene: LZTR1 (leucine zipper like post translational regulator 1; plus strand). Cytogenetic location: 22q11.21.
Variant type: single nucleotide variant.
Coding change: c.676C>A on transcript NM_006767.4 (MANE Select); coding-DNA position 676, C replaced by A.
Protein change: p.Pro226Thr; replaces proline 226 with threonine.
Molecular consequence: missense variant.
Genome position (GRCh38, 1-based): chr22:20,990,410, C>A. VCF-style: chr22-20990410-C-A. GRCh37 (hg19) VCF-style: chr22-21344699-C-A.
Other names: c.676C>A (NM_006767.3); short protein forms P226T.
Identifiers: ClinVar variation 1470497 (VCV001470497.7), dbSNP rs2147964008, ClinGen allele CA410780457.
Genomic context (GRCh38, chr22:20,990,410, plus strand): 5'-GTGAGGCCGGGGCTGAGCTGTCCTCTCCCCCTGCAGGTGGCCCAGAGTGGCGAGATCCCC[C>A]CATCTTGCTGCAACTTCCCCGTGGCTGTGTGCCGGGACAAGATGTTTGTATTCTCTGGGC-3'
Protein context (NP_006758.2, residues 216-236): EEVAQSGEIP[Pro226Thr]SCCNFPVAVC

ClinVar aggregate classification (germline): Uncertain significance. Review status: criteria provided, multiple submitters, no conflicts (2 of 4 stars). 2 submissions from 2 submitters: Uncertain significance (2). Last evaluated 2025-01-12.

Submissions (2):

GeneDx
Classification: Uncertain significance. Last evaluated: 2025-01-12. Review status: criteria provided, single submitter. Criteria: GeneDx Variant Classification Process June 2021. Collection method: clinical testing. Allele origin: germline. Affected: yes.
Comment: Not observed at significant frequency in large population cohorts (gnomAD); In silico analysis supports that this missense variant has a deleterious effect on protein structure/function; Has not been previously published as pathogenic or benign to our knowledge

Labcorp Genetics (formerly Invitae), Labcorp
Classification: Uncertain significance. Last evaluated: 2021-09-09. Review status: criteria provided, single submitter. Criteria: Invitae Variant Classification Sherloc (09022015). Collection method: clinical testing. Allele origin: germline.
Comment: This sequence change replaces proline with threonine at codon 226 of the LZTR1 protein (p.Pro226Thr). The proline residue is highly conserved and there is a small physicochemical difference between proline and threonine. This variant is not present in population databases (ExAC no frequency). This variant has not been reported in the literature in individuals affected with LZTR1-related conditions. Algorithms developed to predict the effect of missense changes on protein structure and function are either unavailable or do not agree on the potential impact of this missense change (SIFT: "Tolerated"; PolyPhen-2: "Probably Damaging"; Align-GVGD: "Class C0"). In summary, the available evidence is currently insufficient to determine the role of this variant in disease. Therefore, it has been classified as a Variant of Uncertain Significance.